The following is an entry in ClinVar:

NM_001792.5(CDH2):c.1450G>A (p.Val484Met)

Gene: CDH2 (cadherin 2; minus strand). Cytogenetic location: 18q12.1.
Variant type: single nucleotide variant.
Coding change: c.1450G>A on transcript NM_001792.5 (MANE Select); coding-DNA position 1450, G replaced by A.
Protein change: p.Val484Met; replaces valine 484 with methionine.
Molecular consequence: missense variant.
Genome position (GRCh38, 1-based): chr18:27,990,245, C>T on the plus strand (G>A on the coding strand, the complement: CDH2 is on the minus strand). VCF-style: chr18-27990245-C-T. GRCh37 (hg19) VCF-style: chr18-25570209-C-T.
Other names: c.1357G>A, p.Val453Met (NM_001308176.2); short protein forms V484M, V453M.
Identifiers: ClinVar variation 2711335 (VCV002711335.3), dbSNP rs17853633, ClinGen allele CA8923392.

ClinVar aggregate classification (germline): Uncertain significance (1 of 4 stars; one submission).

Allele frequency attached by ClinVar (database versions not stated): TOPMed below 0.00001; ExAC 0.00001.
gnomAD v4.1: 24 of 1,614,090 alleles (0.0015%); highest among the groups gnomAD compares: Non-Finnish European, 0.0019%; no homozygotes.

Submission:

Labcorp Genetics (formerly Invitae), Labcorp
Classification: Uncertain significance. Last evaluated: 2025-10-09. Review status: criteria provided, single submitter. Criteria: Invitae Variant Classification Sherloc (09022015). Collection method: clinical testing. Allele origin: germline.
Comment: This sequence change replaces valine, which is neutral and non-polar, with methionine, which is neutral and non-polar, at codon 484 of the CDH2 protein (p.Val484Met). This variant is present in population databases (rs17853633, gnomAD 0.003%). This variant has not been reported in the literature in individuals affected with CDH2-related conditions. ClinVar contains an entry for this variant (Variation ID: 2711335). An algorithm developed to predict the effect of missense changes on protein structure and function (PolyPhen-2) suggests that this variant is likely to be disruptive. In summary, the available evidence is currently insufficient to determine the role of this variant in disease. Therefore, it has been classified as a Variant of Uncertain Significance.